The following is an entry in ClinVar:

NM_033305.3(VPS13A):c.5885G>A (p.Arg1962His)

Gene: VPS13A (vacuolar protein sorting 13 homolog A; plus strand). Cytogenetic location: 9q21.2.
Variant type: single nucleotide variant.
Coding change: c.5885G>A on transcript NM_033305.3 (MANE Select); coding-DNA position 5885, G replaced by A.
Protein change: p.Arg1962His; replaces arginine 1962 with histidine.
Molecular consequence: missense variant.
Genome position (GRCh38, 1-based): chr9:77,323,121, G>A. VCF-style: chr9-77323121-G-A. GRCh37 (hg19) VCF-style: chr9-79938037-G-A.
Other names: c.5768G>A, p.Arg1923His (NM_001018037.2); c.5885G>A, p.Arg1962His (NM_001018038.3, NM_015186.4); short protein forms R1923H, R1962H.
Identifiers: ClinVar variation 3770131 (VCV003770131.2).

ClinVar aggregate classification (germline): Uncertain significance. Review status: criteria provided, multiple submitters, no conflicts (2 of 4 stars). 2 submissions from 2 submitters: Uncertain significance (2). Last evaluated 2025-01-24.

Conditions:
Inborn genetic diseases. Identifiers: MedGen C0950123, MeSH D030342.

gnomAD v4.1: 10 of 1,613,240 alleles (0.00062%); highest among the groups gnomAD compares: Admixed American, 0.0017%; no homozygotes.

Submissions (2):

Ambry Genetics
Classification: Uncertain significance for Inborn genetic diseases. Last evaluated: 2025-01-24. Review status: criteria provided, single submitter. Criteria: Ambry Variant Classification Scheme 2023. Collection method: clinical testing. Allele origin: germline.

GeneDx
Classification: Uncertain significance. Last evaluated: 2024-09-12. Review status: criteria provided, single submitter. Criteria: GeneDx Variant Classification Process June 2021. Collection method: clinical testing. Allele origin: germline. Affected: yes.
Comment: Not observed at significant frequency in large population cohorts (gnomAD); In silico analysis supports that this missense variant has a deleterious effect on protein structure/function; Has not been previously published as pathogenic or benign to our knowledge